The following is an entry in ClinVar:

NM_016343.4(CENPF):c.1364A>G (p.Glu455Gly)

Gene: CENPF (centromere protein F; plus strand). Cytogenetic location: 1q41.
Variant type: single nucleotide variant.
Coding change: c.1364A>G on transcript NM_016343.4 (MANE Select); coding-DNA position 1364, A replaced by G.
Protein change: p.Glu455Gly; replaces glutamic acid 455 with glycine.
Molecular consequence: missense variant.
Genome position (GRCh38, 1-based): chr1:214,632,520, A>G. VCF-style: chr1-214632520-A-G. GRCh37 (hg19) VCF-style: chr1-214805863-A-G.
Other names: short protein forms E455G.
Identifiers: ClinVar variation 4718420 (VCV004718420.1).

ClinVar aggregate classification (germline): Uncertain significance (1 of 4 stars; one submission).

Submission:

Labcorp Genetics (formerly Invitae), Labcorp
Classification: Uncertain significance. Last evaluated: 2025-12-06. Review status: criteria provided, single submitter. Criteria: Invitae Variant Classification Sherloc (09022015). Collection method: clinical testing. Allele origin: germline.
Comment: This sequence change replaces glutamic acid, which is acidic and polar, with glycine, which is neutral and non-polar, at codon 455 of the CENPF protein (p.Glu455Gly). This variant is not present in population databases (gnomAD no frequency). This variant has not been reported in the literature in individuals affected with CENPF-related conditions. An algorithm developed to predict the effect of missense changes on protein structure and function (PolyPhen-2) suggests that this variant is likely to be disruptive. In summary, the available evidence is currently insufficient to determine the role of this variant in disease. Therefore, it has been classified as a Variant of Uncertain Significance.